The following is an entry in ClinVar:

ClinVar aggregate classification (germline): Conflicting classifications of pathogenicity. Review status: criteria provided, conflicting classifications (1 of 4 stars). 4 submissions from 4 submitters: Uncertain significance (1); Likely benign (2). 1 of the submissions does not count toward it. Last evaluated 2025-12-30.

Conditions:
PDE6A-related disorder. Also called: PDE6A-related condition.
Inborn genetic diseases. Identifiers: MedGen C0950123, MeSH D030342.

Allele frequency attached by ClinVar (database versions not stated): TOPMed 0.00038; 1000 Genomes Project 0.00040; 1000 Genomes Project 30x 0.00047.

Submissions (4):

Labcorp Genetics (formerly Invitae), Labcorp
Classification: Likely benign. Last evaluated: 2025-12-30. Review status: criteria provided, single submitter. Criteria: Invitae Variant Classification Sherloc (09022015). Collection method: clinical testing. Allele origin: germline.

Ambry Genetics
Classification: Uncertain significance for Inborn genetic diseases. Last evaluated: 2025-01-17. Review status: criteria provided, single submitter. Criteria: Ambry Variant Classification Scheme 2023. Collection method: clinical testing. Allele origin: germline.

Blueprint Genetics
Classification: Likely benign. Last evaluated: 2024-07-23. Review status: criteria provided, single submitter. Criteria: ACMG Guidelines, 2015. Collection method: clinical testing. Allele origin: germline.

PreventionGenetics, part of Exact Sciences
Classification: Likely benign for PDE6A-related condition. Last evaluated: 2020-11-02. Review status: no assertion criteria provided. Collection method: clinical testing. Allele origin: germline. Not counted in ClinVar's aggregate classification.
Comment: This variant is classified as likely benign based on ACMG/AMP sequence variant interpretation guidelines (Richards et al. 2015 PMID: 25741868, with internal and published modifications).

NM_000440.3(PDE6A):c.86G>A (p.Arg29Gln)

Gene: PDE6A (phosphodiesterase 6A; minus strand). Cytogenetic location: 5q32.
Variant type: single nucleotide variant.
Coding change: c.86G>A on transcript NM_000440.3 (MANE Select); coding-DNA position 86, G replaced by A.
Protein change: p.Arg29Gln; replaces arginine 29 with glutamine.
Molecular consequence: missense variant.
Genome position (GRCh38, 1-based): chr5:149,944,588, C>T on the plus strand (G>A on the coding strand, the complement: PDE6A is on the minus strand). VCF-style: chr5-149944588-C-T. GRCh37 (hg19) VCF-style: chr5-149324151-C-T.
Other names: short protein forms R29Q.
Identifiers: ClinVar variation 715717 (VCV000715717.15), dbSNP rs201008270, ClinGen allele CA3505148.